The following is an entry in ClinVar:

NM_031229.4(RBCK1):c.242T>C (p.Val81Ala)

Gene: RBCK1 (RANBP2-type and C3HC4-type zinc finger containing 1; plus strand). Cytogenetic location: 20p13.
Variant type: single nucleotide variant.
Coding change: c.242T>C on transcript NM_031229.4 (MANE Select); coding-DNA position 242, T replaced by C.
Protein change: p.Val81Ala; replaces valine 81 with alanine.
Molecular consequence: missense variant. On other transcripts: 5 prime UTR variant (2), non-coding transcript variant (1).
Genome position (GRCh38, 1-based): chr20:417,600, T>C. VCF-style: chr20-417600-T-C. GRCh37 (hg19) VCF-style: chr20-398244-T-C.
Other names: c.-108T>C (NM_001323956.2, NM_001323958.2); c.116T>C, p.Val39Ala (NM_006462.6); short protein forms V39A, V81A.
Identifiers: ClinVar variation 1475861 (VCV001475861.5), dbSNP rs778228682, ClinGen allele CA9723008.

ClinVar aggregate classification (germline): Uncertain significance (1 of 4 stars; one submission).

Conditions:
Polyglucosan body myopathy type 1 (PGBM1). Also called: POLYGLUCOSAN BODY MYOPATHY WITHOUT IMMUNODEFICIENCY; Polyglucosan body myopathy 1 with or without immunodeficiency. Identifiers: Orphanet 329173, Orphanet 397937, MedGen C4014605, MONDO:0014389, OMIM 615895.

Allele frequency attached by ClinVar (database versions not stated): gnomAD exomes below 0.00001; ExAC 0.00001.
gnomAD v4.1: 3 of 1,613,944 alleles (0.00019%); highest among the groups gnomAD compares: Admixed American, 0.0017%; no homozygotes.

Submission:

Labcorp Genetics (formerly Invitae), Labcorp
Classification: Uncertain significance for Polyglucosan body myopathy type 1. Last evaluated: 2022-05-27. Review status: criteria provided, single submitter. Criteria: Invitae Variant Classification Sherloc (09022015). Collection method: clinical testing. Allele origin: germline.
Comment: In summary, the available evidence is currently insufficient to determine the role of this variant in disease. Therefore, it has been classified as a Variant of Uncertain Significance. Algorithms developed to predict the effect of missense changes on protein structure and function are either unavailable or do not agree on the potential impact of this missense change (SIFT: "Not Available"; PolyPhen-2: "Benign"; Align-GVGD: "Not Available"). This variant has not been reported in the literature in individuals affected with RBCK1-related conditions. This variant is present in population databases (rs778228682, gnomAD 0.003%). This sequence change replaces valine, which is neutral and non-polar, with alanine, which is neutral and non-polar, at codon 81 of the RBCK1 protein (p.Val81Ala).